The following is an entry in ClinVar:

NM_001845.6(COL4A1):c.2129C>T (p.Pro710Leu)

Gene: COL4A1 (collagen type IV alpha 1 chain; minus strand). Cytogenetic location: 13q34.
Variant type: single nucleotide variant.
Coding change: c.2129C>T on transcript NM_001845.6 (MANE Select); coding-DNA position 2129, C replaced by T.
Protein change: p.Pro710Leu; replaces proline 710 with leucine.
Molecular consequence: missense variant.
Genome position (GRCh38, 1-based): chr13:110,181,356, G>A on the plus strand (C>T on the coding strand, the complement: COL4A1 is on the minus strand). VCF-style: chr13-110181356-G-A. GRCh37 (hg19) VCF-style: chr13-110833703-G-A.
Other names: short protein forms P710L.
Identifiers: ClinVar variation 2715298 (VCV002715298.3), dbSNP rs938690888, ClinGen allele CA256260964.

ClinVar aggregate classification (germline): Uncertain significance (1 of 4 stars; one submission).

Allele frequency attached by ClinVar (database versions not stated): TOPMed 0.00001.
gnomAD v4.1: 7 of 1,613,808 alleles (0.00043%); highest among the groups gnomAD compares: Middle Eastern, 0.017%; no homozygotes.

Submission:

Labcorp Genetics (formerly Invitae), Labcorp
Classification: Uncertain significance. Last evaluated: 2023-08-02. Review status: criteria provided, single submitter. Criteria: Invitae Variant Classification Sherloc (09022015). Collection method: clinical testing. Allele origin: germline.
Comment: This variant has not been reported in the literature in individuals affected with COL4A1-related conditions. An algorithm developed to predict the effect of missense changes on protein structure and function (PolyPhen-2) suggests that this variant is likely to be tolerated. In summary, the available evidence is currently insufficient to determine the role of this variant in disease. Therefore, it has been classified as a Variant of Uncertain Significance. This variant is present in population databases (no rsID available, gnomAD 0.006%). This sequence change replaces proline, which is neutral and non-polar, with leucine, which is neutral and non-polar, at codon 710 of the COL4A1 protein (p.Pro710Leu).